The following is an entry in ClinVar:

NM_001430.5(EPAS1):c.51G>T (p.Glu17Asp)

Gene: EPAS1 (endothelial PAS domain protein 1; plus strand). Cytogenetic location: 2p21.
Variant type: single nucleotide variant.
Coding change: c.51G>T on transcript NM_001430.5 (MANE Select); coding-DNA position 51, G replaced by T.
Protein change: p.Glu17Asp; replaces glutamic acid 17 with aspartic acid.
Molecular consequence: missense variant.
Genome position (GRCh38, 1-based): chr2:46,346,897, G>T. VCF-style: chr2-46346897-G-T. GRCh37 (hg19) VCF-style: chr2-46574036-G-T.
Other names: short protein forms E17D.
Identifiers: ClinVar variation 1746031 (VCV001746031.3), dbSNP rs1171890370, ClinGen allele CA346696845.

ClinVar aggregate classification (germline): Uncertain significance (1 of 4 stars; one submission).

Conditions:
Inborn genetic diseases. Identifiers: MedGen C0950123, MeSH D030342.

Allele frequency attached by ClinVar (database versions not stated): TOPMed below 0.00001; gnomAD 0.00001; gnomAD exomes 0.00001.
gnomAD v4.1: 6 of 1,614,098 alleles (0.00037%); highest among the groups gnomAD compares: Non-Finnish European, 0.00051%; no homozygotes.

Submission:

Ambry Genetics
Classification: Uncertain significance for Inborn genetic diseases. Last evaluated: 2024-05-31. Review status: criteria provided, single submitter. Criteria: Ambry Variant Classification Scheme 2023. Collection method: clinical testing. Allele origin: germline.
Comment: The p.E17D variant (also known as c.51G>T), located in coding exon 2 of the EPAS1 gene, results from a G to T substitution at nucleotide position 51. The glutamic acid at codon 17 is replaced by aspartic acid, an amino acid with highly similar properties. This amino acid position is conserved. In addition, this alteration is predicted to be tolerated by in silico analysis. Since supporting evidence is limited at this time, the clinical significance of this alteration remains unclear.